The following is an entry in ClinVar:

ClinVar aggregate classification (germline): Likely benign. Review status: criteria provided, multiple submitters, no conflicts (2 of 4 stars). 2 submissions from 2 submitters: Likely benign (2). Last evaluated 2025-01-28.

Allele frequency attached by ClinVar (database versions not stated): gnomAD exomes below 0.00001; ExAC 0.00001.
gnomAD v4.1: 1 of 1,612,510 alleles (0.000062%); highest among the groups gnomAD compares: South Asian, 0.0011%; no homozygotes.

Submissions (2):

Mayo Clinic Laboratories, Mayo Clinic
Classification: Likely benign. Last evaluated: 2025-01-28. Review status: criteria provided, single submitter. Criteria: ACMG Guidelines, 2015. Collection method: clinical testing. Allele origin: germline. Observed: 1 variant allele.
Comment: BP4, BP7, PM2_supporting

Labcorp Genetics (formerly Invitae), Labcorp
Classification: Likely benign. Last evaluated: 2023-08-29. Review status: criteria provided, single submitter. Criteria: Invitae Variant Classification Sherloc (09022015). Collection method: clinical testing. Allele origin: germline.

NM_006929.5(SKIC2):c.903C>T (p.Pro301=)

Gene: SKIC2 (SKI2 subunit of superkiller complex; plus strand). Cytogenetic location: 6p21.33.
Variant type: single nucleotide variant.
Coding change: c.903C>T on transcript NM_006929.5 (MANE Select); coding-DNA position 903, C replaced by T.
Protein change: p.Pro301=; no amino-acid change (proline 301 retained).
Molecular consequence: synonymous variant.
Genome position (GRCh38, 1-based): chr6:31,961,660, C>T. VCF-style: chr6-31961660-C-T. GRCh37 (hg19) VCF-style: chr6-31929437-C-T.
Other names: p.Pro301=.
Identifiers: ClinVar variation 2755787 (VCV002755787.4), dbSNP rs763616683, ClinGen allele CA3729283.